The following is an entry in ClinVar:

NM_001364905.1(LRBA):c.1854G>A (p.Met618Ile)

Gene: LRBA (LPS responsive beige-like anchor protein; minus strand). Cytogenetic location: 4q31.3.
Variant type: single nucleotide variant.
Coding change: c.1854G>A on transcript NM_001364905.1 (MANE Select); coding-DNA position 1854, G replaced by A.
Protein change: p.Met618Ile; replaces methionine 618 with isoleucine.
Molecular consequence: missense variant.
Genome position (GRCh38, 1-based): chr4:150,900,119, C>T on the plus strand (G>A on the coding strand, the complement: LRBA is on the minus strand). VCF-style: chr4-150900119-C-T. GRCh37 (hg19) VCF-style: chr4-151821271-C-T.
Other names: c.1854G>A, p.Met618Ile (NM_006726.5, NM_001199282.3, NM_001367550.1); short protein forms M618I.
Identifiers: ClinVar variation 848989 (VCV000848989.7), dbSNP rs369788958, ClinGen allele CA3103461.

ClinVar aggregate classification (germline): Uncertain significance (1 of 4 stars; one submission).

Conditions:
Combined immunodeficiency due to LRBA deficiency. Also called: Common variable immunodeficiency 8, with autoimmunity. Identifiers: Orphanet 445018, MedGen C3553512, MONDO:0013863, OMIM 614700.

Allele frequency attached by ClinVar (database versions not stated): gnomAD exomes below 0.00001; ExAC 0.00001; gnomAD 0.00001; TOPMed 0.00002; ESP Exome Variant Server 0.00008.
gnomAD v4.1: 2 of 1,612,996 alleles (0.00012%); highest among the groups gnomAD compares: African/African-American, 0.0027%; no homozygotes.

Submission:

Labcorp Genetics (formerly Invitae), Labcorp
Classification: Uncertain significance for Combined immunodeficiency due to LRBA deficiency. Last evaluated: 2021-08-24. Review status: criteria provided, single submitter. Criteria: Invitae Variant Classification Sherloc (09022015). Collection method: clinical testing. Allele origin: germline.
Comment: This sequence change replaces methionine with isoleucine at codon 618 of the LRBA protein (p.Met618Ile). The methionine residue is weakly conserved and there is a small physicochemical difference between methionine and isoleucine. This variant is present in population databases (rs369788958, ExAC 0.01%). This variant has not been reported in the literature in individuals affected with LRBA-related conditions. Algorithms developed to predict the effect of missense changes on protein structure and function (SIFT, PolyPhen-2, Align-GVGD) all suggest that this variant is likely to be tolerated. In summary, the available evidence is currently insufficient to determine the role of this variant in disease. Therefore, it has been classified as a Variant of Uncertain Significance.